The following is an entry in ClinVar:

ClinVar aggregate classification (germline): Conflicting classifications of pathogenicity. Review status: criteria provided, conflicting classifications (1 of 4 stars). 7 submissions from 7 submitters: Uncertain significance (1); Benign (2); Likely benign (2). 2 of the submissions do not count toward it. Last evaluated 2026-01-20.

Conditions:
Inborn genetic diseases. Identifiers: MedGen C0950123, MeSH D030342.
WRN-related disorder. Also called: WRN-related condition.
Werner syndrome (WRN). Identifiers: Orphanet 902, MedGen C0043119, MONDO:0010196, OMIM 277700.

Allele frequency attached by ClinVar (database versions not stated): gnomAD exomes 0.00008 and 0.00019; ExAC 0.00032; 1000 Genomes Project 30x 0.00078; 1000 Genomes Project 0.00080; gnomAD 0.00080 and 0.00085; TOPMed 0.00086; ESP Exome Variant Server 0.00139.
gnomAD v4.1: 247 of 1,602,788 alleles (0.015%); highest among the groups gnomAD compares: African/African-American, 0.3%; 2 homozygotes.

Submissions (7):

Labcorp Genetics (formerly Invitae), Labcorp
Classification: Benign for Werner syndrome. Last evaluated: 2026-01-20. Review status: criteria provided, single submitter. Criteria: Invitae Variant Classification Sherloc (09022015). Collection method: clinical testing. Allele origin: germline.

KCCC/NGS Laboratory, Kuwait Cancer Control Center
Classification: Benign for Werner syndrome. Last evaluated: 2025-02-01. Review status: criteria provided, single submitter. Criteria: ACMG Guidelines, 2015. Collection method: clinical testing. Allele origin: germline. Affected: no.

Ambry Genetics
Classification: Likely benign for Inborn genetic diseases. Last evaluated: 2025-01-17. Review status: criteria provided, single submitter. Criteria: Ambry Variant Classification Scheme 2023. Collection method: clinical testing. Allele origin: germline.

Baylor Genetics
Classification: Uncertain significance for Werner syndrome. Last evaluated: 2021-01-26. Review status: criteria provided, single submitter. Criteria: ACMG Guidelines, 2015. Collection method: clinical testing. Allele origin: unknown. Affected: yes. Study: CSER-TexasKidsCanSeq.
Comment: This variant was determined to be of uncertain significance according to ACMG Guidelines, 2015 [PMID:25741868].

Eurofins Ntd Llc (ga)
Classification: Likely benign. Last evaluated: 2015-04-10. Review status: criteria provided, single submitter. Criteria: EGL Classification Definitions 2015. Collection method: clinical testing. Allele origin: germline. Observed: 1 variant allele, 1 heterozygote.

PreventionGenetics, part of Exact Sciences
Classification: Likely benign for WRN-related condition. Last evaluated: 2019-04-08. Review status: no assertion criteria provided. Collection method: clinical testing. Allele origin: germline. Not counted in ClinVar's aggregate classification.
Comment: This variant is classified as likely benign based on ACMG/AMP sequence variant interpretation guidelines (Richards et al. 2015 PMID: 25741868, with internal and published modifications).

ITMI
No classification provided. Condition: AllHighlyPenetrant. Last evaluated: 2013-09-19. Review status: no classification provided. Collection method: reference population. Allele origin: germline. Not counted in ClinVar's aggregate classification.
Comment: Please see associated publication for description of ethnicities

Literature cited by the submitters: PubMed 24728327 (cited by ITMI).

NM_000553.6(WRN):c.720T>G (p.Asn240Lys)

Gene: WRN (WRN RecQ like helicase; plus strand). Cytogenetic location: 8p12.
Variant type: single nucleotide variant.
Coding change: c.720T>G on transcript NM_000553.6 (MANE Select); coding-DNA position 720, T replaced by G.
Protein change: p.Asn240Lys; replaces asparagine 240 with lysine.
Molecular consequence: missense variant.
Genome position (GRCh38, 1-based): chr8:31,068,323, T>G. VCF-style: chr8-31068323-T-G. GRCh37 (hg19) VCF-style: chr8-30925839-T-G.
Other names: short protein forms N240K.
Identifiers: ClinVar variation 135448 (VCV000135448.19), dbSNP rs148229804, ClinGen allele CA162794.